The following is an entry in ClinVar:

NM_020549.5(CHAT):c.781G>A (p.Gly261Ser)

Gene: CHAT (choline O-acetyltransferase; plus strand). Cytogenetic location: 10q11.23.
Variant type: single nucleotide variant.
Coding change: c.781G>A on transcript NM_020549.5 (MANE Select); coding-DNA position 781, G replaced by A.
Protein change: p.Gly261Ser; replaces glycine 261 with serine.
Molecular consequence: missense variant.
Genome position (GRCh38, 1-based): chr10:49,625,501, G>A. VCF-style: chr10-49625501-G-A. GRCh37 (hg19) VCF-style: chr10-50833547-G-A.
Other names: c.427G>A, p.Gly143Ser (NM_001142929.2, NM_001142934.2, NM_020984.4 and 2 more transcripts); c.535G>A, p.Gly179Ser (NM_001142933.2); short protein forms G261S, G143S, G179S.
Identifiers: ClinVar variation 950394 (VCV000950394.9), dbSNP rs1838884383, ClinGen allele CA376729664.

ClinVar aggregate classification (germline): Uncertain significance (1 of 4 stars; one submission).

Conditions:
Familial infantile myasthenia (CMS6). Also called: MYASTHENIC SYNDROME, PRESYNAPTIC, CONGENITAL, ASSOCIATED WITH EPISODIC APNEA; MYASTHENIC SYNDROME, CONGENITAL, 6, PRESYNAPTIC; Congenital myasthenic syndrome type 6. Identifiers: Orphanet 590, MedGen C0393929, MONDO:0009689, OMIM 254210.

Allele frequency attached by ClinVar (database versions not stated): gnomAD exomes 0.00001.

Submission:

Labcorp Genetics (formerly Invitae), Labcorp
Classification: Uncertain significance for Familial infantile myasthenia. Last evaluated: 2022-02-10. Review status: criteria provided, single submitter. Criteria: Invitae Variant Classification Sherloc (09022015). Collection method: clinical testing. Allele origin: germline.
Comment: This variant has not been reported in the literature in individuals affected with CHAT-related conditions. ClinVar contains an entry for this variant (Variation ID: 950394). Advanced modeling of protein sequence and biophysical properties (such as structural, functional, and spatial information, amino acid conservation, physicochemical variation, residue mobility, and thermodynamic stability) performed at Invitae indicates that this missense variant is not expected to disrupt CHAT protein function. Algorithms developed to predict the effect of sequence changes on RNA splicing suggest that this variant may create or strengthen a splice site. In summary, the available evidence is currently insufficient to determine the role of this variant in disease. Therefore, it has been classified as a Variant of Uncertain Significance. This sequence change replaces glycine, which is neutral and non-polar, with serine, which is neutral and polar, at codon 261 of the CHAT protein (p.Gly261Ser). This variant is not present in population databases (gnomAD no frequency).